The following is an entry in ClinVar:

NM_001136472.2(LITAF):c.*421C>T

Gene: LITAF (lipopolysaccharide induced TNF factor; minus strand). Cytogenetic location: 16p13.13.
Variant type: single nucleotide variant.
Coding change: c.*421C>T on transcript NM_001136472.2 (MANE Select); 421 bases downstream of the stop codon, C replaced by T.
Molecular consequence: 3 prime UTR variant. On other transcripts: non-coding transcript variant (1).
Genome position (GRCh38, 1-based): chr16:11,549,216, G>A on the plus strand (C>T on the coding strand, the complement: LITAF is on the minus strand). VCF-style: chr16-11549216-G-A. GRCh37 (hg19) VCF-style: chr16-11643072-G-A.
Other names: c.*546C>T (NM_001136473.1); c.*421C>T (NM_004862.4).
Identifiers: ClinVar variation 317773 (VCV000317773.6), dbSNP rs13336723, ClinGen allele CA7903959.
Genomic context (GRCh38, chr16:11,549,216, plus strand): 5'-GTCATCAGGGACGGGAAGAGACGGATAAGATAATGGTAGGCACTAAAGGCTGGTTCAGCC[G>A]AGCTCTGGGCAGAACAGCCTCAAAAATAAGGCAACTGTGGCTTCTCAGTTTGAGACTGCC-3'

ClinVar aggregate classification (germline): Benign. Review status: criteria provided, multiple submitters, no conflicts (2 of 4 stars). 2 submissions from 2 submitters: Benign (2). Last evaluated 2018-01-12.

Conditions:
Charcot-Marie-Tooth disease type 1C. Also called: CHARCOT-MARIE-TOOTH DISEASE, DEMYELINATING, TYPE 1C; CMT, SLOW NERVE CONDUCTION TYPE C; HMSN IC; Charcot-Marie-Tooth disease, type IC; CHARCOT-MARIE-TOOTH NEUROPATHY, TYPE 1C; NEUROPATHY, HEREDITARY MOTOR AND SENSORY, TYPE IC. Identifiers: Orphanet 101083, MedGen C0270913, MONDO:0010995, OMIM 601098.

Allele frequency attached by ClinVar (database versions not stated): gnomAD exomes 0.00426 and 0.00692; gnomAD 0.02660 and 0.02482; TOPMed 0.02813; 1000 Genomes Project 30x 0.03326; 1000 Genomes Project 0.03015; ExAC 0.00682.

Submissions (2):

Illumina Laboratory Services, Illumina
Classification: Benign for Charcot-Marie-Tooth disease type 1C. Last evaluated: 2018-01-12. Review status: criteria provided, single submitter. Criteria: ICSL Variant Classification Criteria 13 December 2019. Collection method: clinical testing. Allele origin: germline.
Comment: This variant was observed in the ICSL laboratory as part of a predisposition screen in an ostensibly healthy population. It had not been previously curated by ICSL or reported in the Human Gene Mutation Database (HGMD: prior to June 1st, 2018), and was therefore a candidate for classification through an automated scoring system. Utilizing variant allele frequency, disease prevalence and penetrance estimates, and inheritance mode, an automated score was calculated to assess if this variant is too frequent to cause the disease. Based on the score and internal cut-off values, a variant classified as benign is not then subjected to further curation. The score for this variant resulted in a classification of benign for this disease.

Breakthrough Genomics
Classification: Benign. Review status: criteria provided, single submitter. Criteria: ACMG Guidelines, 2015. Collection method: not provided. Allele origin: germline. Inheritance: Autosomal dominant inheritance. Affected: yes.